The following is an entry in ClinVar:

ClinVar aggregate classification (germline): Conflicting classifications of pathogenicity. Review status: criteria provided, conflicting classifications (1 of 4 stars). 7 submissions from 7 submitters: Uncertain significance (1); Benign (3); Likely benign (2). 1 of the submissions does not count toward it. Last evaluated 2025-08-13.

Conditions:
ESRRB-related disorder. Also called: ESRRB-related condition.
Autosomal recessive nonsyndromic hearing loss 35. Identifiers: Orphanet 90636, MedGen C1837857, MONDO:0012060, OMIM 608565.

Allele frequency attached by ClinVar (database versions not stated): ESP Exome Variant Server 0.00066; gnomAD 0.00066 and 0.00079; TOPMed 0.00087; 1000 Genomes Project 0.00100; 1000 Genomes Project 30x 0.00125; gnomAD exomes 0.00132; ExAC 0.00191.
gnomAD v4.1: 1,509 of 1,600,692 alleles (0.094%); highest among the groups gnomAD compares: South Asian, 0.46%; 7 homozygotes.

Submissions (7):

Labcorp Genetics (formerly Invitae), Labcorp
Classification: Likely benign. Last evaluated: 2025-08-13. Review status: criteria provided, single submitter. Criteria: Invitae Variant Classification Sherloc (09022015). Collection method: clinical testing. Allele origin: germline.

Blueprint Genetics
Classification: Likely benign. Last evaluated: 2024-10-11. Review status: criteria provided, single submitter. Criteria: ACMG Guidelines, 2015. Collection method: clinical testing. Allele origin: germline.

GeneDx
Classification: Benign. Last evaluated: 2019-09-12. Review status: criteria provided, single submitter. Criteria: GeneDx Variant Classification Process June 2021. Collection method: clinical testing. Allele origin: germline. Affected: yes.

Illumina Laboratory Services, Illumina
Classification: Uncertain significance for Autosomal recessive nonsyndromic hearing loss 35. Last evaluated: 2018-01-13. Review status: criteria provided, single submitter. Criteria: ICSL Variant Classification Criteria 13 December 2019. Collection method: clinical testing. Allele origin: germline.

ARUP Laboratories, Molecular Genetics and Genomics, ARUP Laboratories
Classification: Benign. Last evaluated: 2017-04-10. Review status: criteria provided, single submitter. Criteria: ARUP Molecular Germline Variant Investigation Process. Collection method: clinical testing. Allele origin: germline.

Laboratory for Molecular Medicine, Mass General Brigham Personalized Medicine
Classification: Benign. Last evaluated: 2015-06-18. Review status: criteria provided, single submitter. Criteria: LMM Criteria. Collection method: clinical testing. Allele origin: germline. Observed: 6 variant alleles.
Comment: p.Pro470Leu in exon 10 of ESRRB: This variant is not expected to have clinical s ignificance because it has been identified in 0.6% (62/10790) of South Asian chr omosomes, including 1 homozygote, by the Exome Aggregation Consortium (ExAC; dbSNP rs201726554).

PreventionGenetics, part of Exact Sciences
Classification: Benign for ESRRB-related condition. Last evaluated: 2019-12-09. Review status: no assertion criteria provided. Collection method: clinical testing. Allele origin: germline. Not counted in ClinVar's aggregate classification.
Comment: This variant is classified as benign based on ACMG/AMP sequence variant interpretation guidelines (Richards et al. 2015 PMID: 25741868, with internal and published modifications).

NM_001379180.1(ESRRB):c.*1517C>T

Gene: ESRRB (estrogen related receptor beta; plus strand). Cytogenetic location: 14q24.3.
Variant type: single nucleotide variant.
Coding change: c.*1517C>T on transcript NM_001379180.1 (MANE Select); 1517 bases downstream of the stop codon, C replaced by T.
Molecular consequence: 3 prime UTR variant. On other transcripts: missense variant (1).
Genome position (GRCh38, 1-based): chr14:76,499,975, C>T. VCF-style: chr14-76499975-C-T. GRCh37 (hg19) VCF-style: chr14-76966318-C-T.
Other names: c.1409C>T, p.Pro470Leu (NM_004452.4); short protein forms P470L.
Identifiers: ClinVar variation 163424 (VCV000163424.27), dbSNP rs201726554, ClinGen allele CA176063.
Genomic context (GRCh38, chr14:76,499,975, plus strand): 5'-ATGATGGAAAATGCCCCTTCCAATCAGCTGCCTTCACAAGCAGGGATCAGAGCAACTCCC[C>T]GGGGATCCCCAATCCACGCCCTTCTAGTCCAACCCCCCTCAATGAGAGAGGCAGGCAGAT-3'